The following is an entry in ClinVar:

ClinVar aggregate classification (germline): Uncertain significance (1 of 4 stars; one submission).

Conditions:
CHD7-related disorder. Also called: CHD7-related condition.

Submission:

PreventionGenetics, part of Exact Sciences
Classification: Uncertain significance for CHD7-related condition. Last evaluated: 2025-04-29. Review status: criteria provided, single submitter. Criteria: ACMG Guidelines, 2015. Collection method: clinical testing. Allele origin: germline.
Comment: The CHD7 c.7358G>A variant is predicted to result in the amino acid substitution p.Ser2453Asn. This variant was reported in an individual with congenital hypogonadotropic hypogonadism (Sun et al. 2021. PubMed ID: 35047002). This variant has not been reported in a large population database (gnomAD), indicating this variant is rare. At this time, the clinical significance of this variant is uncertain due to the absence of conclusive functional and genetic evidence.

NM_017780.4(CHD7):c.7358G>A (p.Ser2453Asn)

Gene: CHD7 (chromodomain helicase DNA binding protein 7; plus strand). Cytogenetic location: 8q12.2.
Variant type: single nucleotide variant.
Coding change: c.7358G>A on transcript NM_017780.4 (MANE Select); coding-DNA position 7358, G replaced by A.
Protein change: p.Ser2453Asn; replaces serine 2453 with asparagine.
Molecular consequence: missense variant. On other transcripts: intron variant (1).
Genome position (GRCh38, 1-based): chr8:60,856,638, G>A. VCF-style: chr8-60856638-G-A. GRCh37 (hg19) VCF-style: chr8-61769197-G-A.
Other names: c.1717-5591G>A (NM_001316690.1); short protein forms S2453N.
Identifiers: ClinVar variation 4987186 (VCV004987186.1).
Genomic context (GRCh38, chr8:60,856,638, plus strand): 5'-TCTCAGAAAATGGACAAGAAAAAGTTGTAGATTTATCAAAGGCCTCAAGAGAGGCAACAA[G>A]CTCTACCTCAAATTTTTCATCTCTTTCTTCAAAGTTTATCTTGCCTAATGTCTCAACACC-3'
Protein context (NP_060250.2, residues 2443-2463): DLSKASREAT[Ser2453Asn]STSNFSSLSS